The following is an entry in ClinVar:

NM_000245.4(MET):c.2584-11T>C

Gene: MET (MET proto-oncogene, receptor tyrosine kinase; plus strand). Cytogenetic location: 7q31.2.
Variant type: single nucleotide variant.
Coding change: c.2584-11T>C on transcript NM_000245.4 (MANE Select); 11 bases into the intron before coding-DNA position 2584, T replaced by C.
Molecular consequence: intron variant.
Genome position (GRCh38, 1-based): chr7:116,769,634, T>C. VCF-style: chr7-116769634-T-C. GRCh37 (hg19) VCF-style: chr7-116409688-T-C.
Other names: c.2638-11T>C (NM_001127500.3); c.1294-11T>C (NM_001324402.2); c.2584-11T>C (NM_001324401.3).
Identifiers: ClinVar variation 3773004 (VCV003773004.1).

ClinVar aggregate classification (germline): Likely benign (1 of 4 stars; one submission).

Conditions:
Papillary renal cell carcinoma type 1 (RCCP1). Also called: Renal adenocarcinoma; Renal cell carcinoma 1; Renal cell carcinoma, somatic; RENAL CELL CARCINOMA, PAPILLARY, 1, SOMATIC. Identifiers: Orphanet 47044, MedGen C1336839, OMIM 605074, HP:0011797.

gnomAD v4.1: 3 of 1,612,794 alleles (0.00019%); highest among the groups gnomAD compares: South Asian, 0.0033%; no homozygotes.

Submission:

Myriad Genetics, Inc.
Classification: Likely benign for Papillary renal cell carcinoma type 1. Last evaluated: 2024-11-12. Review status: criteria provided, single submitter. Criteria: Myriad Autosomal Dominant, Autosomal Recessive and X-Linked Classification Criteria (2023). Collection method: clinical testing. Allele origin: unknown.
Comment: This variant is considered likely benign. This variant is intronic and is not expected to impact mRNA splicing.